The following is an entry in ClinVar:

NM_020937.4(FANCM):c.3388C>A (p.Gln1130Lys)

Gene: FANCM (FA complementation group M; plus strand). Cytogenetic location: 14q21.2.
Variant type: single nucleotide variant.
Coding change: c.3388C>A on transcript NM_020937.4 (MANE Select); coding-DNA position 3388, C replaced by A.
Protein change: p.Gln1130Lys; replaces glutamine 1130 with lysine.
Molecular consequence: missense variant.
Genome position (GRCh38, 1-based): chr14:45,176,142, C>A. VCF-style: chr14-45176142-C-A. GRCh37 (hg19) VCF-style: chr14-45645345-C-A.
Other names: c.3310C>A, p.Gln1104Lys (NM_001308133.2); short protein forms Q1130K, Q1104K.
Identifiers: ClinVar variation 4722426 (VCV004722426.2).

ClinVar aggregate classification (germline): Uncertain significance. Review status: criteria provided, multiple submitters, no conflicts (2 of 4 stars). 2 submissions from 2 submitters: Uncertain significance (2). Last evaluated 2025-12-15.

Conditions:
Fanconi anemia (FA). Also called: Fanconi's anemia. Identifiers: Orphanet 84, MedGen C0015625, MeSH D005199, MONDO:0019391.
Inborn genetic diseases. Identifiers: MedGen C0950123, MeSH D030342.

gnomAD v4.1: 2 of 1,613,944 alleles (0.00012%); highest among the groups gnomAD compares: African/African-American, 0.0027%; no homozygotes.

Submissions (2):

Ambry Genetics
Classification: Uncertain significance for Inborn genetic diseases. Last evaluated: 2025-12-15. Review status: criteria provided, single submitter. Criteria: Ambry Variant Classification Scheme 2023. Collection method: clinical testing. Allele origin: germline.
Comment: The p.Q1130K variant (also known as c.3388C>A), located in coding exon 14 of the FANCM gene, results from a C to A substitution at nucleotide position 3388. The glutamine at codon 1130 is replaced by lysine, an amino acid with similar properties. This amino acid position is conserved. In addition, this alteration is predicted to be tolerated by in silico analysis. Based on the available evidence, the clinical significance of this variant remains unclear.

Labcorp Genetics (formerly Invitae), Labcorp
Classification: Uncertain significance for Fanconi anemia. Last evaluated: 2025-08-20. Review status: criteria provided, single submitter. Criteria: Invitae Variant Classification Sherloc (09022015). Collection method: clinical testing. Allele origin: germline.
Comment: This sequence change replaces glutamine, which is neutral and polar, with lysine, which is basic and polar, at codon 1130 of the FANCM protein (p.Gln1130Lys). This variant is not present in population databases (gnomAD no frequency). This variant has not been reported in the literature in individuals affected with FANCM-related conditions. An algorithm developed to predict the effect of missense changes on protein structure and function (PolyPhen-2) suggests that this variant is likely to be tolerated. In summary, the available evidence is currently insufficient to determine the role of this variant in disease. Therefore, it has been classified as a Variant of Uncertain Significance.